The following is an entry in ClinVar:

ClinVar aggregate classification (germline): Uncertain significance (1 of 4 stars; one submission).

Conditions:
Familial focal epilepsy with variable foci (FPEVF). Identifiers: Orphanet 98820, MedGen C1858477, MONDO:0020310.

gnomAD v4.1: 2 of 1,613,420 alleles (0.00012%); highest among the groups gnomAD compares: Non-Finnish European, 0.00017%; no homozygotes.

Submission:

Labcorp Genetics (formerly Invitae), Labcorp
Classification: Uncertain significance for Familial focal epilepsy with variable foci. Last evaluated: 2022-11-23. Review status: criteria provided, single submitter. Criteria: Invitae Variant Classification Sherloc (09022015). Collection method: clinical testing. Allele origin: germline.
Comment: In summary, the available evidence is currently insufficient to determine the role of this variant in disease. Therefore, it has been classified as a Variant of Uncertain Significance. Algorithms developed to predict the effect of missense changes on protein structure and function are either unavailable or do not agree on the potential impact of this missense change (SIFT: "Deleterious"; PolyPhen-2: "Not Available"; Align-GVGD: "Class C0"). This variant has not been reported in the literature in individuals affected with DEPDC5-related conditions. This variant is present in population databases (no rsID available, gnomAD 0.0009%). This sequence change replaces phenylalanine, which is neutral and non-polar, with leucine, which is neutral and non-polar, at codon 192 of the DEPDC5 protein (p.Phe192Leu).

NM_001242896.3(DEPDC5):c.574T>C (p.Phe192Leu)

Gene: DEPDC5 (DEP domain containing 5, GATOR1 subcomplex subunit; plus strand). Cytogenetic location: 22q12.2.
Variant type: single nucleotide variant.
Coding change: c.574T>C on transcript NM_001242896.3 (MANE Select); coding-DNA position 574, T replaced by C.
Protein change: p.Phe192Leu; replaces phenylalanine 192 with leucine.
Molecular consequence: missense variant. On other transcripts: non-coding transcript variant (5).
Genome position (GRCh38, 1-based): chr22:31,784,825, T>C. VCF-style: chr22-31784825-T-C. GRCh37 (hg19) VCF-style: chr22-32180811-T-C.
Other names: c.574T>C, p.Phe192Leu (NM_001007188.4, NM_001136029.4, NM_001242897.2 and 7 more transcripts); c.490T>C, p.Phe164Leu (NM_001369901.1, NM_001369902.1); short protein forms F164L, F192L.
Identifiers: ClinVar variation 2807509 (VCV002807509.3), dbSNP rs1224909314, ClinGen allele CA411286081.